The following is an entry in ClinVar:

ClinVar aggregate classification (germline): Uncertain significance (1 of 4 stars; one submission).

Conditions:
Inborn genetic diseases. Identifiers: MedGen C0950123, MeSH D030342.

gnomAD v4.1: 1 of 1,613,518 alleles (0.000062%); highest among the groups gnomAD compares: South Asian, 0.0011%; no homozygotes.

Submission:

Ambry Genetics
Classification: Uncertain significance for Inborn genetic diseases. Last evaluated: 2026-04-10. Review status: criteria provided, single submitter. Criteria: Ambry Variant Classification Scheme 2023. Collection method: clinical testing. Allele origin: germline.
Comment: The p.P418S variant (also known as c.1252C>T), located in coding exon 7 of the ERCC6L2 gene, results from a C to T substitution at nucleotide position 1252. The proline at codon 418 is replaced by serine, an amino acid with similar properties. This amino acid position is conserved. In addition, the in silico prediction for this alteration is inconclusive. Based on the available evidence, the clinical significance of this variant remains unclear.

NM_020207.7(ERCC6L2):c.1252C>T (p.Pro418Ser)

Gene: ERCC6L2 (ERCC excision repair 6 like 2; plus strand). Cytogenetic location: 9q22.32.
Variant type: single nucleotide variant.
Coding change: c.1252C>T on transcript NM_020207.7 (MANE Select); coding-DNA position 1252, C replaced by T.
Protein change: p.Pro418Ser; replaces proline 418 with serine.
Molecular consequence: missense variant. On other transcripts: non-coding transcript variant (1).
Genome position (GRCh38, 1-based): chr9:95,921,268, C>T. VCF-style: chr9-95921268-C-T. GRCh37 (hg19) VCF-style: chr9-98683550-C-T.
Other names: c.1252C>T, p.Pro418Ser (NM_001010895.4, NM_001375291.1, NM_001375292.1 and 2 more transcripts); short protein forms P418S.
Identifiers: ClinVar variation 4870583 (VCV004870583.1).